The following is an entry in ClinVar:

NM_001083962.2(TCF4):c.991-8_991-4del

Gene: TCF4 (transcription factor 4; minus strand). Cytogenetic location: 18q21.2.
Variant type: Deletion.
Coding change: c.991-8_991-4del on transcript NM_001083962.2 (MANE Select); 8 bases into the intron before coding-DNA position 991 through 4 bases into the intron before coding-DNA position 991, 5 bases deleted (GTTTT; older notation c.991-8_991-4delGTTTT).
Molecular consequence: intron variant.
Genome position (GRCh38, 1-based): chr18:55,260,031-55,260,035, AAAAC deleted on the plus strand (GTTTT on the coding strand, the reverse complement: TCF4 is on the minus strand); deleting any 5 consecutive bases within chr18:55,260,031-55,260,037 gives the same sequence; the c. name uses the placement nearest the transcript's 3' end. VCF-style (leftmost placement, unchanged base first): chr18-55260030-TAAAAC-T. GRCh37 (hg19) VCF-style: chr18-52927261-TAAAAC-T.
Other names: c.511-8_511-4del (NM_001348216.2, NM_001348214.2, NM_001243235.2 and 2 more transcripts); c.916-8_916-4del (NM_001348220.1, NM_001369584.1, NM_001369576.1 and 3 more transcripts); c.919-8_919-4del (NM_001306207.1, NM_001348217.1, NM_001369577.1 and 9 more transcripts); c.778-8_778-4del (NM_001306208.1, NM_001243232.1); c.1297-8_1297-4del (NM_001243226.3); c.991-8_991-4del (NM_001369571.1, NM_001369567.1, NM_001369572.1 and 4 more transcripts); c.1009-8_1009-4del (NM_001243228.2); c.985-8_985-4del (NM_001243230.2); and 4 more.
Identifiers: ClinVar variation 1314795 (VCV001314795.11), dbSNP rs766726309, ClinGen allele CA8970315.

ClinVar aggregate classification (germline): Likely benign. Review status: reviewed by expert panel (3 of 4 stars). 3 submissions from 3 submitters: Likely benign (1). 2 of the submissions do not count toward it. Last evaluated 2026-04-23.

Conditions:
Pitt-Hopkins syndrome (PTHS). Also called: ENCEPHALOPATHY, SEVERE EPILEPTIC, WITH AUTONOMIC DYSFUNCTION; MENTAL RETARDATION, SYNDROMAL, WITH INTERMITTENT HYPERVENTILATION. Identifiers: Orphanet 2896, MedGen C1970431, MONDO:0012589, OMIM 610954.

Submissions (3):

ClinGen Rett and Angelman-like Disorders Variant Curation Expert Panel
Classification: Likely benign for Pitt-Hopkins syndrome. Last evaluated: 2026-04-23. Review status: reviewed by expert panel. Criteria: ClinGen RettAS ACMG Specifications TCF4 V5.0.0. Collection method: curation. Allele origin: germline. Inheritance: Autosomal dominant inheritance.
Comment: The highest population minor allele frequency of the c.991-8_991-4del variant in TCF4 in gnomAD v4.1.1 is 0.0000529 in Non-Finnish European population, which is higher than the ClinGen Rett and Angelman-like Disorders VCEP threshold (≥0.0000083) for BS1, and therefore meets this criterion (BS1). The c.991-8_991-4del variant is observed in at least 1 unaffected individual (internal database - GeneDx) (BS2_Supporting). Splice prediction analysis using SpliceAI does not suggest an impact to splicing (BP4). In summary, the c.991-8_991-4del variant in TCF4 is classified as likely benign based on the ACMG/AMP criteria (BS1, BS2_supporting, BP4). (TCF4 Specifications v5.0; curation approved on 4/23/2026)

Labcorp Genetics (formerly Invitae), Labcorp
Classification: Likely benign for Pitt-Hopkins syndrome. Last evaluated: 2025-11-05. Review status: criteria provided, single submitter. Criteria: Invitae Variant Classification Sherloc (09022015). Collection method: clinical testing. Allele origin: germline. Not counted in ClinVar's aggregate classification.

GeneDx
Classification: Uncertain significance. Last evaluated: 2023-07-06. Review status: criteria provided, single submitter. Criteria: GeneDx Variant Classification Process June 2021. Collection method: clinical testing. Allele origin: germline. Affected: yes. Not counted in ClinVar's aggregate classification.
Comment: In silico analysis supports that this variant does not alter splicing; Has not been previously published as pathogenic or benign to our knowledge